The following is an entry in ClinVar:

ClinVar aggregate classification (germline): Benign/Likely benign. Review status: criteria provided, multiple submitters, no conflicts (2 of 4 stars). 9 submissions from 9 submitters: Benign (2); Likely benign (4). 3 of the submissions do not count toward it. Last evaluated 2026-01-19.

Conditions:
Inborn genetic diseases. Identifiers: MedGen C0950123, MeSH D030342.
Landau-Kleffner syndrome (FESD). Also called: EPILEPSY, FOCAL, WITH SPEECH DISORDER AND WITH OR WITHOUT MENTAL RETARDATION; APHASIA, ACQUIRED, WITH EPILEPSY. Identifiers: Orphanet 1945, Orphanet 725, Orphanet 98818, MedGen C0282512, MONDO:0009509, OMIM 245570.
GRIN2A-related complex neurodevelopmental disorder. Also called: GRIN2A-related disorder; GRIN2A-related condition. Identifiers: MedGen CN379781, MONDO:1060139.

Allele frequency attached by ClinVar (database versions not stated): gnomAD 0.00012 and 0.00013; ExAC 0.00015; 1000 Genomes Project 0.00020; gnomAD exomes 0.00018 and 0.00013; TOPMed 0.00021; ESP Exome Variant Server 0.00023; 1000 Genomes Project 30x 0.00031.
gnomAD v4.1: 219 of 1,614,148 alleles (0.014%); highest among the groups gnomAD compares: Middle Eastern, 0.049%; no homozygotes.

Submissions (9):

Labcorp Genetics (formerly Invitae), Labcorp
Classification: Likely benign for Landau-Kleffner syndrome. Last evaluated: 2026-01-19. Review status: criteria provided, single submitter. Criteria: Invitae Variant Classification Sherloc (09022015). Collection method: clinical testing. Allele origin: germline.

Blueprint Genetics
Classification: Likely benign. Last evaluated: 2024-11-18. Review status: criteria provided, single submitter. Criteria: ACMG Guidelines, 2015. Collection method: clinical testing. Allele origin: germline.

CeGaT Center for Human Genetics Tuebingen
Classification: Likely benign. Last evaluated: 2023-06-01. Review status: criteria provided, single submitter. Criteria: CeGaT Center For Human Genetics Tuebingen Variant Classification Criteria Version 2. Collection method: clinical testing. Allele origin: germline. Affected: yes. Observed: 1 variant allele.
Comment: GRIN2A: BP4, BP7

Illumina Laboratory Services, Illumina
Classification: Benign for Landau-Kleffner syndrome. Last evaluated: 2018-01-13. Review status: criteria provided, single submitter. Criteria: ICSL Variant Classification Criteria 13 December 2019. Collection method: clinical testing. Allele origin: germline.
Comment: This variant was observed in the ICSL laboratory as part of a predisposition screen in an ostensibly healthy population. It had not been previously curated by ICSL or reported in the Human Gene Mutation Database (HGMD: prior to June 1st, 2018), and was therefore a candidate for classification through an automated scoring system. Utilizing variant allele frequency, disease prevalence and penetrance estimates, and inheritance mode, an automated score was calculated to assess if this variant is too frequent to cause the disease. Based on the score and internal cut-off values, a variant classified as benign is not then subjected to further curation. The score for this variant resulted in a classification of benign for this disease.

Ambry Genetics
Classification: Likely benign for Inborn genetic diseases. Last evaluated: 2016-06-23. Review status: criteria provided, single submitter. Criteria: Ambry Variant Classification Scheme 2023. Collection method: clinical testing. Allele origin: germline.

GeneDx
Classification: Benign. Last evaluated: 2015-08-17. Review status: criteria provided, single submitter. Criteria: GeneDx Variant Classification (06012015). Collection method: clinical testing. Allele origin: germline. Affected: yes.
Comment: This variant is considered likely benign or benign based on one or more of the following criteria: it is a conservative change, it occurs at a poorly conserved position in the protein, it is predicted to be benign by multiple in silico algorithms, and/or has population frequency not consistent with disease.

PreventionGenetics, part of Exact Sciences
Classification: Likely benign for GRIN2A-related condition. Last evaluated: 2019-06-10. Review status: no assertion criteria provided. Collection method: clinical testing. Allele origin: germline. Not counted in ClinVar's aggregate classification.
Comment: This variant is classified as likely benign based on ACMG/AMP sequence variant interpretation guidelines (Richards et al. 2015 PMID: 25741868, with internal and published modifications).

Clinical Genetics DNA and cytogenetics Diagnostics Lab, Erasmus MC, Erasmus Medical Center
Classification: Likely benign. Review status: no assertion criteria provided. Collection method: clinical testing. Allele origin: germline. Affected: yes. Study: VKGL Data-share Consensus. Not counted in ClinVar's aggregate classification.

Genome Diagnostics Laboratory, University Medical Center Utrecht
Classification: Likely benign. Review status: no assertion criteria provided. Collection method: clinical testing. Allele origin: germline. Affected: yes. Study: VKGL Data-share Consensus. Not counted in ClinVar's aggregate classification.

NM_001134407.3(GRIN2A):c.819A>G (p.Pro273=)

Gene: GRIN2A (glutamate ionotropic receptor NMDA type subunit 2A; minus strand). Cytogenetic location: 16p13.2.
Variant type: single nucleotide variant.
Coding change: c.819A>G on transcript NM_001134407.3 (MANE Select); coding-DNA position 819, A replaced by G.
Protein change: p.Pro273=; no amino-acid change (proline 273 retained).
Molecular consequence: synonymous variant.
Genome position (GRCh38, 1-based): chr16:9,938,147, T>C on the plus strand (A>G on the coding strand, the complement: GRIN2A is on the minus strand). VCF-style: chr16-9938147-T-C. GRCh37 (hg19) VCF-style: chr16-10032004-T-C.
Other names: c.819A>G, p.Pro273= (NM_000833.5, NM_001134408.2).
Identifiers: ClinVar variation 317666 (VCV000317666.47), dbSNP rs148085725, ClinGen allele CA7896894.